The following is an entry in ClinVar:

NM_005334.3(HCFC1):c.2903G>A (p.Gly968Glu)

Gene: HCFC1 (host cell factor C1; minus strand). Cytogenetic location: Xq28.
Variant type: single nucleotide variant.
Coding change: c.2903G>A on transcript NM_005334.3 (MANE Select); coding-DNA position 2903, G replaced by A.
Protein change: p.Gly968Glu; replaces glycine 968 with glutamic acid.
Molecular consequence: missense variant.
Genome position (GRCh38, 1-based): chrX:153,955,496, C>T on the plus strand (G>A on the coding strand, the complement: HCFC1 is on the minus strand). VCF-style: chrX-153955496-C-T. GRCh37 (hg19) VCF-style: chrX-153220947-C-T.
Other names: c.2903G>A, p.Gly968Glu (NM_001410705.1); short protein forms G968E.
Identifiers: ClinVar variation 3663093 (VCV003663093.2).

ClinVar aggregate classification (germline): Uncertain significance (1 of 4 stars; one submission).

Conditions:
Methylmalonic acidemia with homocystinuria, type cblX (MAHCX). Also called: INTELLECTUAL DEVELOPMENTAL DISORDER, X-LINKED 3. Identifiers: Orphanet 369962, MedGen C0796208, MONDO:0010657, OMIM 309541.

gnomAD v4.1: 1 of 1,180,018 alleles (0.000085%); highest among the groups gnomAD compares: Non-Finnish European, 0.00011%; no homozygotes.

Submission:

Labcorp Genetics (formerly Invitae), Labcorp
Classification: Uncertain significance for Methylmalonic acidemia with homocystinuria, type cblX. Last evaluated: 2024-09-17. Review status: criteria provided, single submitter. Criteria: Invitae Variant Classification Sherloc (09022015). Collection method: clinical testing. Allele origin: germline.
Comment: This sequence change replaces glycine, which is neutral and non-polar, with glutamic acid, which is acidic and polar, at codon 968 of the HCFC1 protein (p.Gly968Glu). This variant is not present in population databases (gnomAD no frequency). This variant has not been reported in the literature in individuals affected with HCFC1-related conditions. An algorithm developed to predict the effect of missense changes on protein structure and function (PolyPhen-2) suggests that this variant is likely to be disruptive. In summary, the available evidence is currently insufficient to determine the role of this variant in disease. Therefore, it has been classified as a Variant of Uncertain Significance.